The following is an entry in ClinVar:

NM_000188.3(HK1):c.1038G>C (p.Lys346Asn)

Gene: HK1 (hexokinase 1; plus strand). Cytogenetic location: 10q22.1.
Variant type: single nucleotide variant.
Coding change: c.1038G>C on transcript NM_000188.3 (MANE Select); coding-DNA position 1038, G replaced by C.
Protein change: p.Lys346Asn; replaces lysine 346 with asparagine.
Molecular consequence: missense variant.
Genome position (GRCh38, 1-based): chr10:69,379,868, G>C. VCF-style: chr10-69379868-G-C. GRCh37 (hg19) VCF-style: chr10-71139624-G-C.
Other names: c.1050G>C, p.Lys350Asn (NM_001322364.2, NM_001358263.1, NM_033497.3 and 1 more transcripts); c.1143G>C, p.Lys381Asn (NM_001322365.2); c.954G>C, p.Lys318Asn (NM_001322366.1); c.942G>C, p.Lys314Asn (NM_001322367.1); c.1035G>C, p.Lys345Asn (NM_033496.3); c.1002G>C, p.Lys334Asn (NM_033500.2); short protein forms K346N, K350N, K318N, K334N, K345N, K314N, K381N.
Identifiers: ClinVar variation 3663695 (VCV003663695.2).

ClinVar aggregate classification (germline): Uncertain significance (1 of 4 stars; one submission).

Submission:

Labcorp Genetics (formerly Invitae), Labcorp
Classification: Uncertain significance. Last evaluated: 2024-08-28. Review status: criteria provided, single submitter. Criteria: Invitae Variant Classification Sherloc (09022015). Collection method: clinical testing. Allele origin: germline.
Comment: This sequence change replaces lysine, which is basic and polar, with asparagine, which is neutral and polar, at codon 346 of the HK1 protein (p.Lys346Asn). This variant is not present in population databases (gnomAD no frequency). This variant has not been reported in the literature in individuals affected with HK1-related conditions. Invitae Evidence Modeling of protein sequence and biophysical properties (such as structural, functional, and spatial information, amino acid conservation, physicochemical variation, residue mobility, and thermodynamic stability) indicates that this missense variant is not expected to disrupt HK1 protein function with a negative predictive value of 80%. In summary, the available evidence is currently insufficient to determine the role of this variant in disease. Therefore, it has been classified as a Variant of Uncertain Significance.